The following is an entry in ClinVar:

ClinVar aggregate classification (germline): Uncertain significance (1 of 4 stars; one submission).

Conditions:
Paroxysmal nonkinesigenic dyskinesia. Also called: Paroxysmal non-kinesigenic dyskinesia. Identifiers: Orphanet 98810, MedGen C1869117, MONDO:0700088.

Submission:

Labcorp Genetics (formerly Invitae), Labcorp
Classification: Uncertain significance for Paroxysmal nonkinesigenic dyskinesia. Last evaluated: 2026-01-05. Review status: criteria provided, single submitter. Criteria: Invitae Variant Classification Sherloc (09022015). Collection method: clinical testing. Allele origin: germline.
Comment: This sequence change replaces alanine, which is neutral and non-polar, with serine, which is neutral and polar, at codon 74 of the PNKD protein (p.Ala74Ser). This variant is not present in population databases (gnomAD no frequency). This variant has not been reported in the literature in individuals affected with PNKD-related conditions. ClinVar contains an entry for this variant (Variation ID: 952447). An algorithm developed to predict the effect of missense changes on protein structure and function (PolyPhen-2) suggests that this variant is likely to be tolerated. In summary, the available evidence is currently insufficient to determine the role of this variant in disease. Therefore, it has been classified as a Variant of Uncertain Significance.

NM_015488.5(PNKD):c.220G>T (p.Ala74Ser)

Gene: PNKD (PNKD metallo-beta-lactamase domain containing; plus strand). Cytogenetic location: 2q35.
Variant type: single nucleotide variant.
Coding change: c.220G>T on transcript NM_015488.5 (MANE Select); coding-DNA position 220, G replaced by T.
Protein change: p.Ala74Ser; replaces alanine 74 with serine.
Molecular consequence: missense variant.
Genome position (GRCh38, 1-based): chr2:218,271,533, G>T. VCF-style: chr2-218271533-G-T. GRCh37 (hg19) VCF-style: chr2-219136256-G-T.
Other names: c.220G>T, p.Ala74Ser (NM_001077399.3); short protein forms A74S.
Identifiers: ClinVar variation 952447 (VCV000952447.9), dbSNP rs1690830852, ClinGen allele CA350544905.